The following is an entry in ClinVar:

NM_002618.4(PEX13):c.1159G>A (p.Val387Ile)

Gene: PEX13 (peroxisomal biogenesis factor 13; plus strand). Cytogenetic location: 2p15.
Variant type: single nucleotide variant.
Coding change: c.1159G>A on transcript NM_002618.4 (MANE Select); coding-DNA position 1159, G replaced by A.
Protein change: p.Val387Ile; replaces valine 387 with isoleucine.
Molecular consequence: missense variant.
Genome position (GRCh38, 1-based): chr2:61,048,717, G>A. VCF-style: chr2-61048717-G-A. GRCh37 (hg19) VCF-style: chr2-61275852-G-A.
Other names: short protein forms V387I.
Identifiers: ClinVar variation 1936474 (VCV001936474.2), dbSNP rs746039713, ClinGen allele CA1673441.

ClinVar aggregate classification (germline): Uncertain significance (1 of 4 stars; one submission).

Conditions:
Peroxisome biogenesis disorder 11A (Zellweger). Also called: Peroxisome biogenesis disorder 11A. Identifiers: Orphanet 912, MedGen C3554000, MONDO:0013949, OMIM 614883.

Allele frequency attached by ClinVar (database versions not stated): ExAC 0.00002.
gnomAD v4.1: 2 of 1,613,910 alleles (0.00012%); highest among the groups gnomAD compares: South Asian, 0.0022%; no homozygotes.

Submission:

Labcorp Genetics (formerly Invitae), Labcorp
Classification: Uncertain significance for Peroxisome biogenesis disorder 11A (Zellweger). Last evaluated: 2022-05-07. Review status: criteria provided, single submitter. Criteria: Invitae Variant Classification Sherloc (09022015). Collection method: clinical testing. Allele origin: germline.
Comment: This sequence change replaces valine, which is neutral and non-polar, with isoleucine, which is neutral and non-polar, at codon 387 of the PEX13 protein (p.Val387Ile). This variant is present in population databases (rs746039713, gnomAD 0.006%). This variant has not been reported in the literature in individuals affected with PEX13-related conditions. Algorithms developed to predict the effect of missense changes on protein structure and function (SIFT, PolyPhen-2, Align-GVGD) all suggest that this variant is likely to be tolerated. In summary, the available evidence is currently insufficient to determine the role of this variant in disease. Therefore, it has been classified as a Variant of Uncertain Significance.